The following is an entry in ClinVar:

NM_032043.3(BRIP1):c.1141-9A>G

Gene: BRIP1 (BRCA1 interacting DNA helicase 1; minus strand). Cytogenetic location: 17q23.2.
Variant type: single nucleotide variant.
Coding change: c.1141-9A>G on transcript NM_032043.3 (MANE Select); 9 bases into the intron before coding-DNA position 1141, A replaced by G.
Molecular consequence: intron variant.
Genome position (GRCh38, 1-based): chr17:61,799,308, T>C on the plus strand (A>G on the coding strand, the complement: BRIP1 is on the minus strand). VCF-style: chr17-61799308-T-C. GRCh37 (hg19) VCF-style: chr17-59876669-T-C.
Identifiers: ClinVar variation 434536 (VCV000434536.21), dbSNP rs1555607258, ClinGen allele CA501151719.
Genomic context (GRCh38, chr17:61,799,308, plus strand): 5'-TGTTATGAGCTTCATCTAAAATGACAACCTGTTCTTTCAGATTTAAATCCATCTATAAGA[T>C]AAAAGAATTTTCTTGTAAAACATTTGGCAAAATAGATTTAACAACAGCAGGCAAGATATT-3'

ClinVar aggregate classification (germline): Conflicting classifications of pathogenicity. Review status: criteria provided, conflicting classifications (1 of 4 stars). 7 submissions from 7 submitters: Uncertain significance (3); Likely benign (3). 1 of the submissions does not count toward it. Last evaluated 2026-01-13.

Conditions:
Malignant tumor of breast. Also called: Malignant breast neoplasm; Cancer breast. Identifiers: MedGen C0006142, MONDO:0007254. Disease mechanism: loss of function.
Hereditary cancer-predisposing syndrome. Also called: Hereditary neoplastic syndrome; Tumor predisposition; Neoplastic Syndromes, Hereditary; Hereditary Cancer Syndrome. Identifiers: Orphanet 140162, MedGen C0027672, MeSH D009386, MONDO:0015356.
Familial cancer of breast. Also called: BREAST CANCER, FAMILIAL; Hereditary breast cancer; hereditary breast carcinoma. Identifiers: Orphanet 227535, MedGen C0346153, MONDO:0016419, OMIM 114480. Disease mechanism: loss of function.
Fanconi anemia complementation group J. Also called: BRIP1-Related Fanconi Anemia. Identifiers: Orphanet 84, MedGen C1836860, MONDO:0012187, OMIM 609054.
Breast cancer, early-onset. Identifiers: MedGen C4016951.

Allele frequency attached by ClinVar (database versions not stated): gnomAD exomes below 0.00001.
gnomAD v4.1: 1 of 1,600,322 alleles (0.000062%); highest among the groups gnomAD compares: South Asian, 0.0011%; no homozygotes.

Submissions (7):

Labcorp Genetics (formerly Invitae), Labcorp
Classification: Likely benign for Familial cancer of breast; Fanconi anemia complementation group J. Last evaluated: 2026-01-13. Review status: criteria provided, single submitter. Criteria: Invitae Variant Classification Sherloc (09022015). Collection method: clinical testing. Allele origin: germline.

Quest Diagnostics Nichols Institute San Juan Capistrano
Classification: Uncertain significance. Last evaluated: 2025-08-18. Review status: criteria provided, single submitter. Criteria: Quest Diagnostics criteria. Collection method: clinical testing. Allele origin: unknown.
Comment: The BRIP1 c.1141-9A>G variant has not been reported in individuals with BRIP1-related conditions in the published literature. This variant has not been reported in large, multi-ethnic general populations (Genome Aggregation Database). Analysis of this variant using software algorithms for the prediction of the effect of nucleotide changes on splicing yielded predictions that this variant does not affect BRIP1 mRNA splicing. Based on the available information, we are unable to determine the clinical significance of this variant.

Myriad Genetics, Inc.
Classification: Likely benign for Familial cancer of breast. Last evaluated: 2024-08-23. Review status: criteria provided, single submitter. Criteria: Myriad Autosomal Dominant, Autosomal Recessive and X-Linked Classification Criteria (2023). Collection method: clinical testing. Allele origin: unknown.
Comment: This variant is considered likely benign. This variant is intronic and is not expected to impact mRNA splicing.

Color Diagnostics, LLC DBA Color Health
Classification: Uncertain significance for Hereditary cancer-predisposing syndrome. Last evaluated: 2019-12-09. Review status: criteria provided, single submitter. Criteria: ACMG Guidelines, 2015. Collection method: clinical testing. Allele origin: germline.
Comment: This variant causes an A>G nucleotide substitution at the -9 position of intron 8 of the BRIP1 gene. To our knowledge, functional studies have not been performed for this variant. This variant has not been reported in individuals affected with hereditary cancer in the literature. This variant has not been identified in the general population by the Genome Aggregation Database (gnomAD). The available evidence is insufficient to determine the role of this variant in disease conclusively. Therefore, this variant is classified as a Variant of Uncertain Significance.

GeneDx
Classification: Likely benign. Last evaluated: 2018-01-29. Review status: criteria provided, single submitter. Criteria: GeneDx Variant Classification (06012015). Collection method: clinical testing. Allele origin: germline. Affected: yes.
Comment: This variant is considered likely benign or benign based on one or more of the following criteria: it is a conservative change, it occurs at a poorly conserved position in the protein, it is predicted to be benign by multiple in silico algorithms, and/or has population frequency not consistent with disease.

Genetic Services Laboratory, University of Chicago
Classification: Uncertain significance for Breast cancer, early-onset. Last evaluated: 2017-01-19. Review status: criteria provided, single submitter. Criteria: ACMG Guidelines, 2015. Collection method: clinical testing. Allele origin: germline. Affected: no.

Department of Pathology and Laboratory Medicine, Sinai Health System
Classification: Uncertain significance for Malignant tumor of breast. Review status: no assertion criteria provided. Collection method: clinical testing. Allele origin: unknown. Affected: yes. Study: The Canadian Open Genetics Repository (COGR). Not counted in ClinVar's aggregate classification.
Comment: The BRIP1 c.1141-9A>G variant was not identified in the literature nor was it identified in the following databases: dbSNP, Clinvitae, Cosmic, MutDB, or the Zhejiang Colon Cancer Database. The variant was identified in ClinVar database (1x, uncertain significance, breast cancer early onset). It was not identified in the control databases: 1000 Genomes Project, the NHLBI Exome Sequencing Project, the Exome Aggregation Consortium (August 8th 2016), or the Genome Aggregation Database (Feb 27 2017). The c.1141-9A>G variant is located in the 3' splice region but does not affect the invariant -1 and -2 positions. However, positions -3 and -5 to -12 are part of the splicing consensus sequence and variants involving these positions sometimes affect splicing. Conversely, in silico or computational prediction software programs (SpliceSiteFinder, MaxEntScan, NNSPLICE, GeneSplicer, HumanSpliceFinder) do not predict a difference in splicing. In summary, based on the above information, the clinical significance of this variant cannot be determined with certainty at this time. This variant is classified as a variant of uncertain significance.